The following is an entry in ClinVar:

ClinVar aggregate classification (germline): Uncertain significance (1 of 4 stars; one submission).

Conditions:
Autosomal recessive limb-girdle muscular dystrophy type 2W (MDRCMTT). Also called: Muscular dystrophy, limb-girdle, type 2W; Muscular dystrophy, autosomal recessive, with cardiomyopathy and triangular tongue. Identifiers: MedGen C4225192, MONDO:0014788, OMIM 616827.

Allele frequency attached by ClinVar (database versions not stated): TOPMed 0.00001.

Submission:

Labcorp Genetics (formerly Invitae), Labcorp
Classification: Uncertain significance for Autosomal recessive limb-girdle muscular dystrophy type 2W. Last evaluated: 2022-06-20. Review status: criteria provided, single submitter. Criteria: Invitae Variant Classification Sherloc (09022015). Collection method: clinical testing. Allele origin: germline.
Comment: In summary, the available evidence is currently insufficient to determine the role of this variant in disease. Therefore, it has been classified as a Variant of Uncertain Significance. Experimental studies and prediction algorithms are not available or were not evaluated, and the functional significance of this variant is currently unknown. ClinVar contains an entry for this variant (Variation ID: 1018587). This variant has not been reported in the literature in individuals affected with LIMS2-related conditions. This variant is present in population databases (rs368451336, gnomAD 0.004%). This sequence change creates a premature translational stop signal (p.Tyr331*) in the LIMS2 gene. While this is not anticipated to result in nonsense mediated decay, it is expected to disrupt the last 33 amino acid(s) of the LIMS2 protein.

NM_001161403.3(LIMS2):c.927C>G (p.Tyr309Ter)

Gene: LIMS2 (LIM zinc finger domain containing 2; minus strand). Cytogenetic location: 2q14.3.
Variant type: single nucleotide variant.
Coding change: c.927C>G on transcript NM_001161403.3 (MANE Select); coding-DNA position 927, C replaced by G.
Protein change: p.Tyr309Ter; replaces tyrosine 309 with a stop codon.
Molecular consequence: nonsense.
Genome position (GRCh38, 1-based): chr2:127,639,380, G>C on the plus strand (C>G on the coding strand, the complement: LIMS2 is on the minus strand). VCF-style: chr2-127639380-G-C. GRCh37 (hg19) VCF-style: chr2-128396955-G-C.
Other names: c.993C>G, p.Tyr331Ter (NM_001136037.4); c.912C>G, p.Tyr304Ter (NM_001161404.2); c.471C>G, p.Tyr157Ter (NM_001256542.2); c.999C>G, p.Tyr333Ter (NM_017980.5); short protein forms Y157*, Y304*, Y309*, Y331*, Y333*.
Identifiers: ClinVar variation 1018587 (VCV001018587.10), dbSNP rs368451336, ClinGen allele CA1862805.
Genomic context (GRCh38, chr2:127,639,380, plus strand): 5'-GCGGGAGGTCAGCTCCGACAGCTTCTTCAGCCGCTTCTTCAGCTCCAGCGGGAACTTCTC[G>C]TAGCACCTCTTACACACGGGCTTCATGTCGAACTCCACAAACTTGTTCCTGAGGAGGAAG-3'